The following is an entry in ClinVar:

NM_005529.7(HSPG2):c.9921C>T (p.His3307=)

Gene: HSPG2 (heparan sulfate proteoglycan 2; minus strand). Cytogenetic location: 1p36.12.
Variant type: single nucleotide variant.
Coding change: c.9921C>T on transcript NM_005529.7 (MANE Select); coding-DNA position 9921, C replaced by T.
Protein change: p.His3307=; no amino-acid change (histidine 3307 retained).
Molecular consequence: synonymous variant.
Genome position (GRCh38, 1-based): chr1:21,839,054, G>A on the plus strand (C>T on the coding strand, the complement: HSPG2 is on the minus strand). VCF-style: chr1-21839054-G-A. GRCh37 (hg19) VCF-style: chr1-22165547-G-A.
Other names: c.9924C>T, p.His3308= (NM_001291860.2).
Identifiers: ClinVar variation 3634079 (VCV003634079.3).

ClinVar aggregate classification (germline): Likely benign. Review status: criteria provided, multiple submitters, no conflicts (2 of 4 stars). 2 submissions from 2 submitters: Likely benign (2). Last evaluated 2026-08-01.

gnomAD v4.1: 37 of 1,593,412 alleles (0.0023%); highest among the groups gnomAD compares: African/African-American, 0.031%; no homozygotes.

Submissions (2):

CeGaT Center for Human Genetics Tuebingen
Classification: Likely benign. Last evaluated: 2026-08-01. Review status: criteria provided, single submitter. Criteria: CeGaT Center For Human Genetics Tuebingen Variant Classification Criteria Version 2. Collection method: clinical testing. Allele origin: germline. Affected: yes. Observed: 1 variant allele.
Comment: HSPG2: BP4, BP7

Labcorp Genetics (formerly Invitae), Labcorp
Classification: Likely benign. Last evaluated: 2024-04-03. Review status: criteria provided, single submitter. Criteria: Invitae Variant Classification Sherloc (09022015). Collection method: clinical testing. Allele origin: germline.